The following is an entry in ClinVar:

ClinVar aggregate classification (germline): Uncertain significance. Review status: criteria provided, multiple submitters, no conflicts (2 of 4 stars). 4 submissions from 4 submitters: Uncertain significance (4). Last evaluated 2025-12-11.

Conditions:
Inborn genetic diseases. Identifiers: MedGen C0950123, MeSH D030342.

Allele frequency attached by ClinVar (database versions not stated): gnomAD exomes 0.00001 and 0.00002; TOPMed 0.00002; gnomAD 0.00004; ExAC 0.00005.

Submissions (4):

Ambry Genetics
Classification: Uncertain significance for Inborn genetic diseases. Last evaluated: 2025-12-11. Review status: criteria provided, single submitter. Criteria: Ambry Variant Classification Scheme 2023. Collection method: clinical testing. Allele origin: germline.

Labcorp Genetics (formerly Invitae), Labcorp
Classification: Uncertain significance. Last evaluated: 2024-10-15. Review status: criteria provided, single submitter. Criteria: Invitae Variant Classification Sherloc (09022015). Collection method: clinical testing. Allele origin: germline.
Comment: This sequence change replaces alanine, which is neutral and non-polar, with threonine, which is neutral and polar, at codon 494 of the TUBGCP6 protein (p.Ala494Thr). This variant is present in population databases (rs746643141, gnomAD 0.01%). This variant has not been reported in the literature in individuals affected with TUBGCP6-related conditions. ClinVar contains an entry for this variant (Variation ID: 953127). An algorithm developed to predict the effect of missense changes on protein structure and function (PolyPhen-2) suggests that this variant is likely to be tolerated. In summary, the available evidence is currently insufficient to determine the role of this variant in disease. Therefore, it has been classified as a Variant of Uncertain Significance.

GeneDx
Classification: Uncertain significance. Last evaluated: 2024-09-07. Review status: criteria provided, single submitter. Criteria: GeneDx Variant Classification Process June 2021. Collection method: clinical testing. Allele origin: germline. Affected: yes.
Comment: Not observed at significant frequency in large population cohorts (gnomAD); In silico analysis supports that this missense variant does not alter protein structure/function; Has not been previously published as pathogenic or benign to our knowledge

Blueprint Genetics
Classification: Uncertain significance. Last evaluated: 2022-05-16. Review status: criteria provided, single submitter. Criteria: ACMG Guidelines, 2015. Collection method: clinical testing. Allele origin: germline.

NM_020461.4(TUBGCP6):c.1480G>A (p.Ala494Thr)

Gene: TUBGCP6 (tubulin gamma complex component 6; minus strand). Cytogenetic location: 22q13.33.
Variant type: single nucleotide variant.
Coding change: c.1480G>A on transcript NM_020461.4 (MANE Select); coding-DNA position 1480, G replaced by A.
Protein change: p.Ala494Thr; replaces alanine 494 with threonine.
Molecular consequence: missense variant.
Genome position (GRCh38, 1-based): chr22:50,227,010, C>T on the plus strand (G>A on the coding strand, the complement: TUBGCP6 is on the minus strand). VCF-style: chr22-50227010-C-T. GRCh37 (hg19) VCF-style: chr22-50665439-C-T.
Other names: short protein forms A494T.
Identifiers: ClinVar variation 953127 (VCV000953127.13), dbSNP rs746643141, ClinGen allele CA10308667.